The following is an entry in ClinVar:

NM_152383.5(DIS3L2):c.2194C>G (p.Leu732Val)

Gene: DIS3L2 (DIS3 like 3'-5' exoribonuclease 2; plus strand). Cytogenetic location: 2q37.1.
Variant type: single nucleotide variant.
Coding change: c.2194C>G on transcript NM_152383.5 (MANE Select); coding-DNA position 2194, C replaced by G.
Protein change: p.Leu732Val; replaces leucine 732 with valine.
Molecular consequence: missense variant. On other transcripts: non-coding transcript variant (2), intron variant (1).
Genome position (GRCh38, 1-based): chr2:232,334,404, C>G. VCF-style: chr2-232334404-C-G. GRCh37 (hg19) VCF-style: chr2-233199114-C-G.
Other names: c.1582-8941C>G (NM_001257281.2); short protein forms L732V.
Identifiers: ClinVar variation 531932 (VCV000531932.6), dbSNP rs1215542783, ClinGen allele CA350977680.

ClinVar aggregate classification (germline): Uncertain significance (1 of 4 stars; one submission).

Conditions:
Perlman syndrome (PRLMNS). Identifiers: Orphanet 2849, MedGen C0796113, MONDO:0009965, OMIM 267000.

Allele frequency attached by ClinVar (database versions not stated): gnomAD exomes below 0.00001; TOPMed below 0.00001.
gnomAD v4.1: 4 of 1,613,786 alleles (0.00025%); highest among the groups gnomAD compares: Non-Finnish European, 0.00025%; no homozygotes.

Submission:

Labcorp Genetics (formerly Invitae), Labcorp
Classification: Uncertain significance for Perlman syndrome. Last evaluated: 2023-03-17. Review status: criteria provided, single submitter. Criteria: Invitae Variant Classification Sherloc (09022015). Collection method: clinical testing. Allele origin: germline.
Comment: In summary, the available evidence is currently insufficient to determine the role of this variant in disease. Therefore, it has been classified as a Variant of Uncertain Significance. Advanced modeling of protein sequence and biophysical properties (such as structural, functional, and spatial information, amino acid conservation, physicochemical variation, residue mobility, and thermodynamic stability) performed at Invitae indicates that this missense variant is not expected to disrupt DIS3L2 protein function. ClinVar contains an entry for this variant (Variation ID: 531932). This variant has not been reported in the literature in individuals affected with DIS3L2-related conditions. This variant is not present in population databases (gnomAD no frequency). This sequence change replaces leucine, which is neutral and non-polar, with valine, which is neutral and non-polar, at codon 732 of the DIS3L2 protein (p.Leu732Val).